The following continues an entry in ClinVar:

NM_000038.6(APC):c.3927_3931del (p.Glu1309fs)

Gene: APC. ClinVar aggregate classification (germline): Pathogenic. Pathogenic (1). ClinVar aggregate classification (oncogenicity): Oncogenic.

Submissions 7 to 18 of 51:

Institute for Genomic Medicine (IGM) Clinical Laboratory, Nationwide Children's Hospital
Classification: Pathogenic for Familial adenomatous polyposis 1. Last evaluated: 2025-06-10. Review status: criteria provided, single submitter. Criteria: ACMG Guidelines, 2015. Collection method: clinical testing. Allele origin: germline. Not counted in ClinVar's aggregate classification.
Comment: This variant is predicted to result in loss of function through nonsense-mediated decay of the encoded transcript or premature truncation of the encoded protein in a gene in which loss of function is a known mechanism of disease (ACMG/AMP: PVS1). This variant has been reported at an elevated frequency in affected individuals/in multiple affected individuals in the literature (ACMG/AMP: PS4_VeryStrong; PMIDs:20685668, 24664542). This variant has been reported to occur de novo in an affected individual in the literature without parental identity confirmed (ACMG/AMP: PM6_VeryStrong).

Ambry Genetics
Classification: Pathogenic for Hereditary cancer-predisposing syndrome. Last evaluated: 2025-05-12. Review status: criteria provided, single submitter. Criteria: Ambry Variant Classification Scheme 2023. Collection method: clinical testing. Allele origin: germline. Not counted in ClinVar's aggregate classification.
Comment: The c.3927_3931delAAAGA pathogenic mutation, located in coding exon 15 of the APC gene, results from a deletion of 5 nucleotides at nucleotide positions 3927 to 3931, causing a translational frameshift with a predicted alternate stop codon (p.E1309Dfs*4). This alteration occurs at the 3' terminus of theAPC gene, is not expected to trigger nonsense-mediated mRNA decay, and impacts the last 1535 amino acids of the protein. However, premature stop codons are typically deleterious in nature and the impacted region is critical for protein function (Ambry internal data). This alteration is one of the most frequently observed pathogenic mutations in individuals and families with familial adenomatous polyposis (FAP) (Mandl M et al. Hum. Mol. Genet. 1994 Jan;3:181-4; Miyaki M et al. Cancer Res. 1994 Jun;54:3011-20; Friedl W et al. Hered. Cancer Clin. Pract. 2005 Sep;3:95-114; Yanus GA et al. Clin. Genet. 2018 May;93:1015-1021). Based on the supporting evidence, this alteration is interpreted as a disease-causing mutation.

Institute of Human Genetics, University of Leipzig Medical Center
Classification: Pathogenic for Familial adenomatous polyposis 1. Last evaluated: 2025-04-25. Review status: criteria provided, single submitter. Criteria: ACMG Guidelines, 2015. Collection method: clinical testing. Allele origin: paternal. Inheritance: Autosomal dominant inheritance. Affected: yes. Not counted in ClinVar's aggregate classification.
Comment: Criteria applied: PVS1,PS4_VSTR,PM6_VSTR

PreventionGenetics, part of Exact Sciences
Classification: Pathogenic for APC-related condition. Last evaluated: 2025-03-20. Review status: criteria provided, single submitter. Criteria: ACMG Guidelines, 2015. Collection method: clinical testing. Allele origin: germline. Not counted in ClinVar's aggregate classification.
Comment: The APC c.3927_3931del5 variant is predicted to result in a frameshift and premature protein termination (p.Glu1309Aspfs*4). This variant has been reported in many individuals with familial adenomatous polyposis coli (Aretz et al. 2004. PubMed ID: 14523376; Plawski et al. 2008. PubMed ID: 19029688; Friedl et al. 2005. PubMed ID: 20223039; Lee et al. 2022. PubMed ID: 35189564). It has been shown to segregate with disease in multiple families as well as occurring frequently de novo (Aretz et al. 2004. PubMed ID: 14523376). This variant is reported in 0.00088% of alleles in individuals of European (Non-Finnish) descent in gnomAD and is interpreted as pathogenic in ClinVar. Frameshift variants in APC are expected to be pathogenic. Although this variant occurs in the terminal exon of APC, pathogenic truncating variants have been reported downstream of this variant (Friedl et al. 2005. PubMed ID: 20223039; Kerr et al. 2013. PubMed ID: 23159591). This variant is interpreted as pathogenic.

Center for Genomic Medicine, Rigshospitalet, Copenhagen University Hospital
Classification: Oncogenic for Neoplasm. Last evaluated: 2025-03-04. Review status: criteria provided, single submitter. Criteria: ClinGen/CGC/VICC Guidelines for Oncogenicity, 2022. Collection method: clinical testing. Allele origin: somatic. Affected: yes.

Laboratory of Genetics, Children's Clinical University Hospital Latvia
Classification: Pathogenic. Last evaluated: 2025-02-16. Review status: criteria provided, single submitter. Criteria: ACMG Guidelines, 2015. Collection method: clinical testing. Allele origin: germline. Affected: yes. Not counted in ClinVar's aggregate classification.

Quest Diagnostics Nichols Institute San Juan Capistrano
Classification: Pathogenic. Last evaluated: 2024-12-06. Review status: criteria provided, single submitter. Criteria: Quest Diagnostics criteria. Collection method: clinical testing. Allele origin: unknown. Not counted in ClinVar's aggregate classification.
Comment: The APC c.3927_3931del (p.Glu1309Aspfs*4) variant alters the translational reading frame of the APC mRNA and causes the premature termination of APC protein synthesis. This variant has been reported in the published literature in multiple individuals with familial adenomatous polyposis (PMID: 33769591 (2021), 30730459 (2019), 30092803 (2018), 29406563 (2018), 25980754 (2015), 25317407 (2014), 23561487 (2013), 20223039 (2005), 19029688 (2008), 8395941 (1993), 1316610 (1992)). The frequency of this variant in the general population (Genome Aggregation Database) is consistent with pathogenicity. Based on the available information, this variant is classified as pathogenic.

ARUP Laboratories, Molecular Genetics and Genomics, ARUP Laboratories
Classification: Pathogenic. Last evaluated: 2024-11-07. Review status: criteria provided, single submitter. Criteria: ARUP Molecular Germline Variant Investigation Process 2024. Collection method: clinical testing. Allele origin: germline. Not counted in ClinVar's aggregate classification.
Comment: The APC c.3927_3931del; p.Glu1309AspfsTer4 variant (rs121913224) is reported in the literature in several unrelated individuals with familial adenomatous polyposis (Ishida 2013, Lozynska 2015, Miyoshi 1992, Torrezan 2013). This variant is also reported in ClinVar (Variation ID: 816) and is only observed on two alleles in the Genome Aggregation Database, indicating it is not a common polymorphism. This variant causes a frameshift by deleting five nucleotides, so it is predicted to result in a truncated protein or mRNA subject to nonsense-mediated decay. Based on available information, this variant is considered to be pathogenic. References: Ishida H et al. Identification of APC gene mutations in jejunal carcinomas from a patient with familial adenomatous polyposis. Jpn J Clin Oncol. 2013 Sep;43(9):929-34. PMID: 23906606. Lozynska MR et al. Rare case of intraintestinal stromal tumors in the patient with familial adenomatous polyposis. Exp Oncol. 2015 Sep;37(3):227-30. PMID: 26422110. Miyoshi Y et al. Germ-line mutations of the APC gene in 53 familial adenomatous polyposis patients. Proc Natl Acad Sci U S A. 1992 May 15;89(10):4452-6. PMID: 1316610. Torrezan GT et al. Mutational spectrum of the APC and MUTYH genes and genotype-phenotype correlations in Brazilian FAP, AFAP, and MAP patients. Orphanet J Rare Dis. 2013 Apr 5;8:54. PMID: 23561487.

Mayo Clinic Laboratories, Mayo Clinic
Classification: Pathogenic. Last evaluated: 2024-10-30. Review status: criteria provided, single submitter. Criteria: ACMG Guidelines, 2015. Collection method: clinical testing. Allele origin: germline. Observed: 2 variant alleles. Not counted in ClinVar's aggregate classification.
Comment: PP1_strong, PP5, PS2, PS4_very_strong, PVS1

Color Diagnostics, LLC DBA Color Health
Classification: Pathogenic for Hereditary cancer-predisposing syndrome. Last evaluated: 2024-06-18. Review status: criteria provided, single submitter. Criteria: ACMG Guidelines, 2015. Collection method: clinical testing. Allele origin: germline. Not counted in ClinVar's aggregate classification.
Comment: This variant deletes 5 nucleotides in exon 16 of the APC gene, creating a frameshift and premature translation stop signal in the last coding exon. This variant is predicted to escape nonsense-mediated decay and be expressed as a truncated protein. Although functional studies have not been reported, this variant is expected to disrupt the beta-catenin binding domain, SAMP-repeats, basic domain, and the EB1 binding and HDLG binding domains (PMID: 11257105). This variant has been reported in many individuals affected with familial adenomatous polyposis (PMIDs: 8187091, 9950360, 12007223, 14961559, 15024739, 15108288, 16088911, 16134147, 17411426, 17486639, 17963004, 18433509, 19029688, 19531215, 20223039, 20564245, 20649969, 20685668, 20924072, 21078199, 21110124, 21643010, 21779980, 21901162, 22987206, 23159591, 25317407, 26163615, 26625971). This variant has been identified in 2/251040 chromosomes in the general population by the Genome Aggregation Database (gnomAD). Loss of APC function is a known mechanism of disease. Based on the available evidence, this variant is classified as Pathogenic.

Genomic Medicine Center of Excellence, King Faisal Specialist Hospital and Research Centre
Classification: Uncertain significance for Familial adenomatous polyposis 1. Last evaluated: 2024-03-25. Review status: criteria provided, single submitter. Criteria: ACMG Guidelines, 2015. Collection method: clinical testing. Allele origin: germline. Not counted in ClinVar's aggregate classification.

GeneDx
Classification: Pathogenic. Last evaluated: 2024-02-02. Review status: criteria provided, single submitter. Criteria: GeneDx Variant Classification Process June 2021. Collection method: clinical testing. Allele origin: germline. Affected: yes. Not counted in ClinVar's aggregate classification.
Comment: Frameshift variant predicted to result in protein truncation or nonsense mediated decay in a gene for which loss of function is a known mechanism of disease; Not observed at significant frequency in large population cohorts (gnomAD); This variant is associated with the following publications: (PMID: 1316610, 24664542, 20223039, 8162051, 25318681, 26422110, 26161710, 26309368, 33769591, 25317407, 19728755, 19029688, 14523376, 12894596, 23115482, 23970361, 17963004, 23159591, 25832318, 26446593, 26981152, 26625971, 25980754, 28533537, 23906606, 8395941, 28975465, 29367705, 30340471, 30092803, 30511453, 30272267, 29954149, 31101557, 30730459, 31360874, 30172912, 14734220, 31744909, 31447099, 32388397, 36225625, 34873480, 35418818, 35189564, 35142982, 35988656)